The following is an entry in ClinVar:

NM_004655.4(AXIN2):c.2498G>A (p.Gly833Asp)

Gene: AXIN2 (axin 2; minus strand). Cytogenetic location: 17q24.1.
Variant type: single nucleotide variant.
Coding change: c.2498G>A on transcript NM_004655.4 (MANE Select); coding-DNA position 2498, G replaced by A.
Protein change: p.Gly833Asp; replaces glycine 833 with aspartic acid.
Molecular consequence: missense variant.
Genome position (GRCh38, 1-based): chr17:65,530,010, C>T on the plus strand (G>A on the coding strand, the complement: AXIN2 is on the minus strand). VCF-style: chr17-65530010-C-T. GRCh37 (hg19) VCF-style: chr17-63526128-C-T.
Other names: c.2303G>A, p.Gly768Asp (NM_001363813.1); short protein forms G833D, G768D.
Identifiers: ClinVar variation 840873 (VCV000840873.7), dbSNP rs2043790045, ClinGen allele CA400674775.

ClinVar aggregate classification (germline): Uncertain significance (1 of 4 stars; one submission).

Conditions:
Oligodontia-cancer predisposition syndrome. Also called: TOOTH AGENESIS-COLORECTAL CANCER SYNDROME. Identifiers: Orphanet 300576, MedGen C1837750, MONDO:0012075, OMIM 608615. Disease mechanism: loss of function.

Submission:

Labcorp Genetics (formerly Invitae), Labcorp
Classification: Uncertain significance for Oligodontia-cancer predisposition syndrome. Last evaluated: 2021-08-26. Review status: criteria provided, single submitter. Criteria: Invitae Variant Classification Sherloc (09022015). Collection method: clinical testing. Allele origin: germline.
Comment: This sequence change replaces glycine with aspartic acid at codon 833 of the AXIN2 protein (p.Gly833Asp). The glycine residue is highly conserved and there is a moderate physicochemical difference between glycine and aspartic acid. This variant is not present in population databases (ExAC no frequency). This variant has not been reported in the literature in individuals affected with AXIN2-related conditions. Algorithms developed to predict the effect of missense changes on protein structure and function are either unavailable or do not agree on the potential impact of this missense change (SIFT: "Tolerated"; PolyPhen-2: "Probably Damaging"; Align-GVGD: "Class C0"). In summary, the available evidence is currently insufficient to determine the role of this variant in disease. Therefore, it has been classified as a Variant of Uncertain Significance.